The following is an entry in ClinVar:

ClinVar aggregate classification (germline): Likely benign (0 of 4 stars; one submission).

Conditions:
EPPK1-related disorder. Also called: EPPK1-related condition.

Allele frequency attached by ClinVar (database versions not stated): 1000 Genomes Project 0.00100; gnomAD 0.00133; 1000 Genomes Project 30x 0.00141; TOPMed 0.00151; ExAC 0.00160; ESP Exome Variant Server 0.00201; gnomAD exomes 0.00202.
gnomAD v4.1: 3,104 of 1,588,808 alleles (0.2%); highest among the groups gnomAD compares: Non-Finnish European, 0.23%; 7 homozygotes.

Submission:

PreventionGenetics, part of Exact Sciences
Classification: Likely benign for EPPK1-related condition. Last evaluated: 2021-04-13. Review status: no assertion criteria provided. Collection method: clinical testing. Allele origin: germline.
Comment: This variant is classified as likely benign based on ACMG/AMP sequence variant interpretation guidelines (Richards et al. 2015 PMID: 25741868, with internal and published modifications).

NM_031308.4(EPPK1):c.378C>T (p.Tyr126=)

Gene: EPPK1 (epiplakin 1; minus strand). Cytogenetic location: 8q24.3.
Variant type: single nucleotide variant.
Coding change: c.378C>T on transcript NM_031308.4 (MANE Select); coding-DNA position 378, C replaced by T.
Protein change: p.Tyr126=; no amino-acid change (tyrosine 126 retained).
Molecular consequence: synonymous variant.
Genome position (GRCh38, 1-based): chr8:143,872,876, G>A on the plus strand (C>T on the coding strand, the complement: EPPK1 is on the minus strand). VCF-style: chr8-143872876-G-A. GRCh37 (hg19) VCF-style: chr8-144947044-G-A.
Identifiers: ClinVar variation 3052793 (VCV003052793.2), dbSNP rs377574983, ClinGen allele CA4923629.